The following is an entry in ClinVar:

ClinVar aggregate classification (germline): Uncertain significance. Review status: criteria provided, multiple submitters, no conflicts (2 of 4 stars). 2 submissions from 2 submitters: Uncertain significance (2). Last evaluated 2025-06-16.

Conditions:
Hereditary cancer-predisposing syndrome. Also called: Neoplastic Syndromes, Hereditary; Hereditary Cancer Syndrome; Tumor predisposition; Hereditary neoplastic syndrome. Identifiers: Orphanet 140162, MedGen C0027672, MeSH D009386, MONDO:0015356.
Neurofibromatosis, type 2 (SWNV). Also called: BILATERAL ACOUSTIC NEUROFIBROMATOSIS; NF2-Related Schwannomatosis; SCHWANNOMATOSIS, VESTIBULAR. Identifiers: Orphanet 637, MedGen C0027832, MONDO:0007039, OMIM 101000. Disease mechanism: loss of function.

Allele frequency attached by ClinVar (database versions not stated): gnomAD exomes below 0.00001.
gnomAD v4.1: 5 of 1,589,366 alleles (0.00031%); highest among the groups gnomAD compares: Non-Finnish European, 0.00043%; no homozygotes.

Submissions (2):

Labcorp Genetics (formerly Invitae), Labcorp
Classification: Uncertain significance for Neurofibromatosis, type 2. Last evaluated: 2025-06-16. Review status: criteria provided, single submitter. Criteria: Invitae Variant Classification Sherloc (09022015). Collection method: clinical testing. Allele origin: germline.
Comment: This sequence change replaces isoleucine, which is neutral and non-polar, with methionine, which is neutral and non-polar, at codon 5 of the NF2 protein (p.Ile5Met). The frequency data for this variant in the population databases is considered unreliable, as metrics indicate poor data quality at this position in the gnomAD database. This variant has not been reported in the literature in individuals affected with NF2-related conditions. ClinVar contains an entry for this variant (Variation ID: 643742). An algorithm developed to predict the effect of missense changes on protein structure and function (PolyPhen-2) suggests that this variant is likely to be tolerated. In summary, the available evidence is currently insufficient to determine the role of this variant in disease. Therefore, it has been classified as a Variant of Uncertain Significance.

Ambry Genetics
Classification: Uncertain significance for Hereditary cancer-predisposing syndrome. Last evaluated: 2024-07-08. Review status: criteria provided, single submitter. Criteria: Ambry Variant Classification Scheme 2023. Collection method: clinical testing. Allele origin: germline.
Comment: The p.I5M variant (also known as c.15C>G), located in coding exon 1 of the NF2 gene, results from a C to G substitution at nucleotide position 15. The isoleucine at codon 5 is replaced by methionine, an amino acid with highly similar properties. This amino acid position is highly conserved in available vertebrate species. In addition, the in silico prediction for this alteration is inconclusive. Since supporting evidence is limited at this time, the clinical significance of this alteration remains unclear.

NM_000268.4(NF2):c.15C>G (p.Ile5Met)

Gene: NF2 (NF2, moesin-ezrin-radixin like (MERLIN) tumor suppressor; plus strand). Cytogenetic location: 22q12.2.
Variant type: single nucleotide variant.
Coding change: c.15C>G on transcript NM_000268.4 (MANE Select); coding-DNA position 15, C replaced by G.
Protein change: p.Ile5Met; replaces isoleucine 5 with methionine.
Molecular consequence: missense variant. On other transcripts: non-coding transcript variant (1).
Genome position (GRCh38, 1-based): chr22:29,604,013, C>G. VCF-style: chr22-29604013-C-G. GRCh37 (hg19) VCF-style: chr22-30000002-C-G.
Other names: c.15C>G, p.Ile5Met (NM_016418.5, NM_181825.3, NM_181828.3 and 5 more transcripts); short protein forms I5M.
Identifiers: ClinVar variation 643742 (VCV000643742.13), dbSNP rs998779035, ClinGen allele CA323099675.